The following is an entry in ClinVar:

ClinVar aggregate classification (germline): Conflicting classifications of pathogenicity. Review status: criteria provided, conflicting classifications (1 of 4 stars). 3 submissions from 3 submitters: Uncertain significance (2); Likely benign (1). Last evaluated 2025-10-01.

Conditions:
Nephronophthisis 14 (NPHP14). Identifiers: Orphanet 2318, MedGen C3539071, MONDO:0013916, OMIM 614844.

Allele frequency attached by ClinVar (database versions not stated): gnomAD exomes 0.00007 and 0.00005; ESP Exome Variant Server 0.00008; ExAC 0.00003; gnomAD 0.00005; TOPMed 0.00005.
gnomAD v4.1: 112 of 1,613,752 alleles (0.0069%); highest among the groups gnomAD compares: South Asian, 0.034%; 2 homozygotes.

Submissions (3):

CeGaT Center for Human Genetics Tuebingen
Classification: Likely benign. Last evaluated: 2025-10-01. Review status: criteria provided, single submitter. Criteria: CeGaT Center For Human Genetics Tuebingen Variant Classification Criteria Version 2. Collection method: clinical testing. Allele origin: germline. Affected: yes. Observed: 1 variant allele.
Comment: ZNF423: BS2

Ambry Genetics
Classification: Uncertain significance. Last evaluated: 2025-07-02. Review status: criteria provided, single submitter. Criteria: Ambry Variant Classification Scheme 2023. Collection method: clinical testing. Allele origin: germline.

Labcorp Genetics (formerly Invitae), Labcorp
Classification: Uncertain significance for Nephronophthisis 14. Last evaluated: 2023-11-27. Review status: criteria provided, single submitter. Criteria: Invitae Variant Classification Sherloc (09022015). Collection method: clinical testing. Allele origin: germline.
Comment: This sequence change replaces valine, which is neutral and non-polar, with methionine, which is neutral and non-polar, at codon 879 of the ZNF423 protein (p.Val879Met). This variant is present in population databases (rs139142141, gnomAD 0.03%). This variant has not been reported in the literature in individuals affected with ZNF423-related conditions. ClinVar contains an entry for this variant (Variation ID: 954089). Advanced modeling of protein sequence and biophysical properties (such as structural, functional, and spatial information, amino acid conservation, physicochemical variation, residue mobility, and thermodynamic stability) performed at Invitae indicates that this missense variant is not expected to disrupt ZNF423 protein function with a negative predictive value of 80%. In summary, the available evidence is currently insufficient to determine the role of this variant in disease. Therefore, it has been classified as a Variant of Uncertain Significance.

NM_001379286.1(ZNF423):c.2659G>A (p.Val887Met)

Gene: ZNF423 (zinc finger protein 423; minus strand). Cytogenetic location: 16q12.1.
Variant type: single nucleotide variant.
Coding change: c.2659G>A on transcript NM_001379286.1 (MANE Select); coding-DNA position 2659, G replaced by A.
Protein change: p.Val887Met; replaces valine 887 with methionine.
Molecular consequence: missense variant.
Genome position (GRCh38, 1-based): chr16:49,636,517, C>T on the plus strand (G>A on the coding strand, the complement: ZNF423 is on the minus strand). VCF-style: chr16-49636517-C-T. GRCh37 (hg19) VCF-style: chr16-49670428-C-T.
Other names: c.2635G>A (NM_015069.2); c.2455G>A, p.Val819Met (NM_001271620.2); c.2284G>A, p.Val762Met (NM_001330533.2); c.2635G>A, p.Val879Met (NM_015069.5); short protein forms V879M, V887M, V762M, V819M.
Identifiers: ClinVar variation 954089 (VCV000954089.14), dbSNP rs139142141, ClinGen allele CA8046459.